The following is an entry in ClinVar:

ClinVar aggregate classification (germline): Likely benign. Review status: criteria provided, multiple submitters, no conflicts (2 of 4 stars). 3 submissions from 3 submitters: Likely benign (3). Last evaluated 2025-10-22.

Conditions:
GUCY2D-related disorder. Also called: GUCY2D-related condition.
Cone-rod dystrophy 6 (CORD6). Also called: RETINAL CONE DYSTROPHY 2; Cone dystrophy progressive. Identifiers: Orphanet 1872, MedGen C1866293, MONDO:0011143, OMIM 601777.
Leber congenital amaurosis 1 (LCA1). Also called: RETINAL BLINDNESS, CONGENITAL; AMAUROSIS CONGENITA OF LEBER I; Congenital absence of the rods and cones; Leber's congenital tapetoretinal degeneration; Leber's congenital tapetoretinal dysplasia. Identifiers: Orphanet 65, MedGen C2931258, MONDO:0008764, OMIM 204000.

Allele frequency attached by ClinVar (database versions not stated): gnomAD 0.00009; gnomAD exomes 0.00012 and 0.00016; TOPMed 0.00012; ExAC 0.00015; 1000 Genomes Project 30x 0.00016; 1000 Genomes Project 0.00020; ESP Exome Variant Server 0.00023.
gnomAD v4.1: 198 of 1,613,788 alleles (0.012%); highest among the groups gnomAD compares: East Asian, 0.12%; no homozygotes.

Submissions (3):

Labcorp Genetics (formerly Invitae), Labcorp
Classification: Likely benign for Leber congenital amaurosis 1; Cone-rod dystrophy 6. Last evaluated: 2025-10-22. Review status: criteria provided, single submitter. Criteria: Invitae Variant Classification Sherloc (09022015). Collection method: clinical testing. Allele origin: germline.

PreventionGenetics, part of Exact Sciences
Classification: Likely benign for GUCY2D-related condition. Last evaluated: 2024-12-13. Review status: criteria provided, single submitter. Criteria: ACMG Guidelines, 2015. Collection method: clinical testing. Allele origin: germline.
Comment: This variant is classified as likely benign based on ACMG/AMP sequence variant interpretation guidelines (Richards et al. 2015 PMID: 25741868, with internal and published modifications).

Blueprint Genetics
Classification: Likely benign. Last evaluated: 2024-09-25. Review status: criteria provided, single submitter. Criteria: ACMG Guidelines, 2015. Collection method: clinical testing. Allele origin: germline.

NM_000180.4(GUCY2D):c.1624G>A (p.Gly542Ser)

Gene: GUCY2D (guanylate cyclase 2D, retinal; plus strand). Cytogenetic location: 17p13.1.
Variant type: single nucleotide variant.
Coding change: c.1624G>A on transcript NM_000180.4 (MANE Select); coding-DNA position 1624, G replaced by A.
Protein change: p.Gly542Ser; replaces glycine 542 with serine.
Molecular consequence: missense variant.
Genome position (GRCh38, 1-based): chr17:8,007,988, G>A. VCF-style: chr17-8007988-G-A. GRCh37 (hg19) VCF-style: chr17-7911306-G-A.
Other names: short protein forms G542S.
Identifiers: ClinVar variation 967551 (VCV000967551.12), dbSNP rs146570135, ClinGen allele CA8365829.